The following is an entry in ClinVar:

ClinVar aggregate classification (germline): Uncertain significance (1 of 4 stars; one submission).

Conditions:
Hereditary cancer-predisposing syndrome. Also called: Tumor predisposition; Neoplastic Syndromes, Hereditary; Hereditary neoplastic syndrome; Hereditary Cancer Syndrome. Identifiers: Orphanet 140162, MedGen C0027672, MeSH D009386, MONDO:0015356.

Submission:

Ambry Genetics
Classification: Uncertain significance for Hereditary cancer-predisposing syndrome. Last evaluated: 2024-07-06. Review status: criteria provided, single submitter. Criteria: Ambry Variant Classification Scheme 2023. Collection method: clinical testing. Allele origin: germline.
Comment: The p.G163E variant (also known as c.488G>A), located in coding exon 3 of the XRCC2 gene, results from a G to A substitution at nucleotide position 488. The glycine at codon 163 is replaced by glutamic acid, an amino acid with similar properties. This amino acid position is conserved. In addition, the in silico prediction for this alteration is inconclusive. Based on the available evidence, the clinical significance of this variant remains unclear.

NM_005431.2(XRCC2):c.488G>A (p.Gly163Glu)

Gene: XRCC2 (X-ray repair cross complementing 2; minus strand). Cytogenetic location: 7q36.1.
Variant type: single nucleotide variant.
Coding change: c.488G>A on transcript NM_005431.2 (MANE Select); coding-DNA position 488, G replaced by A.
Protein change: p.Gly163Glu; replaces glycine 163 with glutamic acid.
Molecular consequence: missense variant.
Genome position (GRCh38, 1-based): chr7:152,648,997, C>T on the plus strand (G>A on the coding strand, the complement: XRCC2 is on the minus strand). VCF-style: chr7-152648997-C-T. GRCh37 (hg19) VCF-style: chr7-152346082-C-T.
Other names: short protein forms G163E.
Identifiers: ClinVar variation 3471460 (VCV003471460.1).